The following is an entry in ClinVar:

ClinVar aggregate classification (germline): Benign/Likely benign. Review status: criteria provided, multiple submitters, no conflicts (2 of 4 stars). 11 submissions from 11 submitters: Benign (2); Likely benign (5). 4 of the submissions do not count toward it. Last evaluated 2026-09-01.

Conditions:
ARID1A-related disorder. Also called: ARID1A-related condition.
Intellectual disability, autosomal dominant 14 (CSS2). Also called: COFFIN-SIRIS SYNDROME 2. Identifiers: Orphanet 1465, MedGen C3553247, MONDO:0013819, OMIM 614607.

Allele frequency attached by ClinVar (database versions not stated): ESP Exome Variant Server 0.00215; 1000 Genomes Project 0.00040; 1000 Genomes Project 30x 0.00062; TOPMed 0.00162.
gnomAD v4.1: 3,525 of 1,614,074 alleles (0.22%); highest among the groups gnomAD compares: Non-Finnish European, 0.27%; 7 homozygotes.

Submissions (11):

CeGaT Center for Human Genetics Tuebingen
Classification: Likely benign. Last evaluated: 2026-09-01. Review status: criteria provided, single submitter. Criteria: CeGaT Center For Human Genetics Tuebingen Variant Classification Criteria Version 2. Collection method: clinical testing. Allele origin: germline. Affected: yes. Observed: 9 variant alleles.
Comment: ARID1A: BS1

Labcorp Genetics (formerly Invitae), Labcorp
Classification: Likely benign. Last evaluated: 2026-01-20. Review status: criteria provided, single submitter. Criteria: Invitae Variant Classification Sherloc (09022015). Collection method: clinical testing. Allele origin: germline.

Blueprint Genetics
Classification: Likely benign. Last evaluated: 2024-11-13. Review status: criteria provided, single submitter. Criteria: ACMG Guidelines, 2015. Collection method: clinical testing. Allele origin: germline.

Genome-Nilou Lab
Classification: Benign for Intellectual disability, autosomal dominant 14. Last evaluated: 2021-12-05. Review status: criteria provided, single submitter. Criteria: ACMG Guidelines, 2015. Collection method: clinical testing. Allele origin: germline. Affected: no.

GeneDx
Classification: Likely benign. Last evaluated: 2020-12-17. Review status: criteria provided, single submitter. Criteria: GeneDx Variant Classification Process June 2021. Collection method: clinical testing. Allele origin: germline. Affected: yes.
Comment: This variant is associated with the following publications: (PMID: 24728327, 28767289)

Center for Pediatric Genomic Medicine, Children's Mercy Hospital and Clinics
Classification: Likely benign. Last evaluated: 2017-06-12. Review status: criteria provided, single submitter. Criteria: ACMG Guidelines, 2015. Collection method: clinical testing. Allele origin: germline.

Genetic Services Laboratory, University of Chicago
Classification: Benign. Last evaluated: 2016-02-26. Review status: criteria provided, single submitter. Criteria: ACMG Guidelines, 2015. Collection method: clinical testing. Allele origin: germline. Affected: no.

PreventionGenetics, part of Exact Sciences
Classification: Likely benign for ARID1A-related condition. Last evaluated: 2019-05-07. Review status: no assertion criteria provided. Collection method: clinical testing. Allele origin: germline. Not counted in ClinVar's aggregate classification.
Comment: This variant is classified as likely benign based on ACMG/AMP sequence variant interpretation guidelines (Richards et al. 2015 PMID: 25741868, with internal and published modifications).

ITMI
No classification provided. Condition: AllHighlyPenetrant. Last evaluated: 2013-09-19. Review status: no classification provided. Collection method: reference population. Allele origin: germline. Not counted in ClinVar's aggregate classification.
Comment: Please see associated publication for description of ethnicities

Clinical Genetics DNA and cytogenetics Diagnostics Lab, Erasmus MC, Erasmus Medical Center
Classification: Benign. Review status: no assertion criteria provided. Collection method: clinical testing. Allele origin: germline. Affected: yes. Study: VKGL Data-share Consensus. Not counted in ClinVar's aggregate classification.

Diagnostic Laboratory, Department of Genetics, University Medical Center Groningen
Classification: Likely benign. Review status: no assertion criteria provided. Collection method: clinical testing. Allele origin: germline. Affected: yes. Study: VKGL Data-share Consensus. Not counted in ClinVar's aggregate classification.

Literature cited by the submitters: PubMed 24728327 (cited by ITMI).

NM_006015.6(ARID1A):c.5717G>A (p.Arg1906Gln)

Gene: ARID1A (AT-rich interaction domain 1A; plus strand). Cytogenetic location: 1p36.11.
Variant type: single nucleotide variant.
Coding change: c.5717G>A on transcript NM_006015.6 (MANE Select); coding-DNA position 5717, G replaced by A.
Protein change: p.Arg1906Gln; replaces arginine 1906 with glutamine.
Molecular consequence: missense variant.
Genome position (GRCh38, 1-based): chr1:26,779,615, G>A. VCF-style: chr1-26779615-G-A. GRCh37 (hg19) VCF-style: chr1-27106106-G-A.
Other names: c.5717G>A (LRG_875t1); c.5066G>A, p.Arg1689Gln (NM_139135.4); short protein forms R1906Q, R1689Q.
Identifiers: ClinVar variation 133552 (VCV000133552.49), dbSNP rs41303631, ClinGen allele CA156927.